The following is an entry in ClinVar:

NM_002361.4(MAG):c.15G>A (p.Thr5=)

Gene: MAG (myelin associated glycoprotein; plus strand). Cytogenetic location: 19q13.12.
Variant type: single nucleotide variant.
Coding change: c.15G>A on transcript NM_002361.4 (MANE Select); coding-DNA position 15, G replaced by A.
Protein change: p.Thr5=; no amino-acid change (threonine 5 retained).
Molecular consequence: synonymous variant. On other transcripts: intron variant (1).
Genome position (GRCh38, 1-based): chr19:35,295,423, G>A. VCF-style: chr19-35295423-G-A. GRCh37 (hg19) VCF-style: chr19-35786326-G-A.
Other names: c.15G>A, p.Thr5= (NM_080600.3); c.-85-32G>A (NM_001199216.2); c.15G>A (NM_002361.3).
Identifiers: ClinVar variation 2106374 (VCV002106374.6), dbSNP rs201625172, ClinGen allele CA9375887.

ClinVar aggregate classification (germline): Likely benign. Review status: criteria provided, single submitter (1 of 4 stars). 2 submissions from 2 submitters: Likely benign (1). 1 of the submissions does not count toward it. Last evaluated 2023-08-10.

Conditions:
MAG-related disorder. Also called: MAG-related condition.
Hereditary spastic paraplegia 75. Also called: Spastic paraplegia 75, autosomal recessive. Identifiers: Orphanet 459056, MedGen C4225250, MONDO:0014729, OMIM 616680.

gnomAD v4.1: 27 of 1,613,802 alleles (0.0017%); highest among the groups gnomAD compares: East Asian, 0.0022%; no homozygotes.

Submissions (2):

Labcorp Genetics (formerly Invitae), Labcorp
Classification: Likely benign for Hereditary spastic paraplegia 75. Last evaluated: 2023-08-10. Review status: criteria provided, single submitter. Criteria: Invitae Variant Classification Sherloc (09022015). Collection method: clinical testing. Allele origin: germline.

PreventionGenetics, part of Exact Sciences
Classification: Likely benign for MAG-related condition. Last evaluated: 2023-07-29. Review status: no assertion criteria provided. Collection method: clinical testing. Allele origin: germline. Not counted in ClinVar's aggregate classification.
Comment: This variant is classified as likely benign based on ACMG/AMP sequence variant interpretation guidelines (Richards et al. 2015 PMID: 25741868, with internal and published modifications).